The following is an entry in ClinVar:

NM_001519.4(BRF1):c.618T>G (p.Thr206=)

Gene: BRF1 (BRF1 general transcription factor IIIB subunit; minus strand). Cytogenetic location: 14q32.33.
Variant type: single nucleotide variant.
Coding change: c.618T>G on transcript NM_001519.4 (MANE Select); coding-DNA position 618, T replaced by G.
Protein change: p.Thr206=; no amino-acid change (threonine 206 retained).
Molecular consequence: synonymous variant. On other transcripts: intron variant (1).
Genome position (GRCh38, 1-based): chr14:105,241,341, A>C on the plus strand (T>G on the coding strand, the complement: BRF1 is on the minus strand). VCF-style: chr14-105241341-A-C. GRCh37 (hg19) VCF-style: chr14-105707678-A-C.
Other names: c.273T>G, p.Thr91= (NM_001242786.2, NM_001242787.2); c.537T>G, p.Thr179= (NM_001242788.2); c.6T>G, p.Thr2= (NM_145685.3); c.-21+7808T>G (NM_001242789.2).
Identifiers: ClinVar variation 738125 (VCV000738125.27), dbSNP rs138161119, ClinGen allele CA7387605.

ClinVar aggregate classification (germline): Benign/Likely benign. Review status: criteria provided, multiple submitters, no conflicts (2 of 4 stars). 2 submissions from 2 submitters: Benign (1); Likely benign (1). Last evaluated 2023-10-01.

Allele frequency attached by ClinVar (database versions not stated): TOPMed 0.00010; ESP Exome Variant Server 0.00015; 1000 Genomes Project 30x 0.00031; 1000 Genomes Project 0.00040; gnomAD 0.00054 and 0.00056.
gnomAD v4.1: 555 of 1,612,800 alleles (0.034%); highest among the groups gnomAD compares: Non-Finnish European, 0.02%; 2 homozygotes.

Submissions (2):

CeGaT Center for Human Genetics Tuebingen
Classification: Likely benign. Last evaluated: 2023-10-01. Review status: criteria provided, single submitter. Criteria: CeGaT Center For Human Genetics Tuebingen Variant Classification Criteria Version 2. Collection method: clinical testing. Allele origin: germline. Affected: yes. Observed: 1 variant allele.
Comment: BRF1: BP4, BP7

Labcorp Genetics (formerly Invitae), Labcorp
Classification: Benign. Last evaluated: 2018-07-16. Review status: criteria provided, single submitter. Criteria: Invitae Variant Classification Sherloc (09022015). Collection method: clinical testing. Allele origin: germline.